The following is an entry in ClinVar:

NM_080916.3(DGUOK):c.617G>A (p.Arg206Lys)

Gene: DGUOK (deoxyguanosine kinase; plus strand). Cytogenetic location: 2p13.1.
Variant type: single nucleotide variant.
Coding change: c.617G>A on transcript NM_080916.3 (MANE Select); coding-DNA position 617, G replaced by A.
Protein change: p.Arg206Lys; replaces arginine 206 with lysine.
Molecular consequence: missense variant. On other transcripts: non-coding transcript variant (1), intron variant (2).
Genome position (GRCh38, 1-based): chr2:73,957,150, G>A. VCF-style: chr2-73957150-G-A. GRCh37 (hg19) VCF-style: chr2-74184277-G-A.
Other names: c.617G>A (NM_080916.2); c.326G>A, p.Arg109Lys (NM_001318860.2, NM_001318861.2); c.308G>A, p.Arg103Lys (NM_001318862.2, NM_001318863.2); c.444-996G>A (NM_080918.3); c.426-996G>A (NM_001318859.2); short protein forms R103K, R109K, R206K.
Identifiers: ClinVar variation 4074664 (VCV004074664.3).

ClinVar aggregate classification (germline): Uncertain significance. Review status: criteria provided, multiple submitters, no conflicts (2 of 4 stars). 2 submissions from 2 submitters: Uncertain significance (2). Last evaluated 2025-10-27.

Conditions:
DGUOK-related disorder. Also called: DGUOK-related condition.

Submissions (2):

GeneDx
Classification: Uncertain significance. Last evaluated: 2025-10-27. Review status: criteria provided, single submitter. Criteria: GeneDx Variant Classification Process June 2021. Collection method: clinical testing. Allele origin: germline.
Comment: Not observed at significant frequency in large population cohorts (gnomAD); In silico analysis supports that this missense variant has a deleterious effect on protein structure/function; This variant is associated with the following publications: (PMID: 24321534, 38756539)

PreventionGenetics, part of Exact Sciences
Classification: Uncertain significance for DGUOK-related condition. Last evaluated: 2025-01-29. Review status: criteria provided, single submitter. Criteria: ACMG Guidelines, 2015. Collection method: clinical testing. Allele origin: germline.
Comment: The DGUOK c.617G>A variant is predicted to result in the amino acid substitution p.Arg206Lys. This variant has been reported in an infant with neonatal cholestasis and liver failure (Al-Hussaini et al. 2014. PubMed ID: 24321534). This variant has not been reported in a large population database (gnomAD), indicating this variant is rare. Although we suspect that this variant may be pathogenic, at this time, the clinical significance of this variant is uncertain due to the absence of conclusive functional and genetic evidence.